The following is an entry in ClinVar:

NM_006031.6(PCNT):c.2062C>T (p.Leu688Phe)

Gene: PCNT (pericentrin; plus strand). Cytogenetic location: 21q22.3.
Variant type: single nucleotide variant.
Coding change: c.2062C>T on transcript NM_006031.6 (MANE Select); coding-DNA position 2062, C replaced by T.
Protein change: p.Leu688Phe; replaces leucine 688 with phenylalanine.
Molecular consequence: missense variant.
Genome position (GRCh38, 1-based): chr21:46,357,099, C>T. VCF-style: chr21-46357099-C-T. GRCh37 (hg19) VCF-style: chr21-47777014-C-T.
Other names: c.1708C>T, p.Leu570Phe (NM_001315529.2); short protein forms L688F, L570F.
Identifiers: ClinVar variation 2205195 (VCV002205195.10), dbSNP rs140836847, ClinGen allele CA10078871.

ClinVar aggregate classification (germline): Conflicting classifications of pathogenicity. Review status: criteria provided, conflicting classifications (1 of 4 stars). 4 submissions from 4 submitters: Uncertain significance (3); Likely benign (1). Last evaluated 2026-08-13.

Conditions:
Inborn genetic diseases. Identifiers: MedGen C0950123, MeSH D030342.
PCNT-related disorder. Also called: PCNT-related condition.
Microcephalic osteodysplastic primordial dwarfism type II (MOPD2). Also called: Microcephalic osteodysplastic primordial dwarfism with tooth abnormalities; MOPD II; OSTEODYSPLASTIC PRIMORDIAL DWARFISM, TYPE II. Identifiers: Orphanet 2637, MedGen C0432246, MONDO:0008872, OMIM 210720.

Allele frequency attached by ClinVar (database versions not stated): gnomAD exomes 0.00002; ExAC 0.00006; TOPMed 0.00022; ESP Exome Variant Server 0.00023; gnomAD 0.00023.

Submissions (4):

PreventionGenetics, part of Exact Sciences
Classification: Uncertain significance for PCNT-related condition. Last evaluated: 2026-08-13. Review status: criteria provided, single submitter. Criteria: ACMG Guidelines, 2015. Collection method: clinical testing. Allele origin: germline.
Comment: The PCNT c.2062C>T variant is predicted to result in the amino acid substitution p.Leu688Phe. To our knowledge, this variant has not been reported in the literature. This variant is reported in 0.076% of alleles in individuals of African descent in gnomAD, which may be too frequent for a primary cause of disease. While we suspect this variant may be benign, at this time, the clinical significance of this variant is uncertain due to the absence of conclusive functional and genetic evidence.

Labcorp Genetics (formerly Invitae), Labcorp
Classification: Uncertain significance. Last evaluated: 2025-09-16. Review status: criteria provided, single submitter. Criteria: Invitae Variant Classification Sherloc (09022015). Collection method: clinical testing. Allele origin: germline.
Comment: This sequence change replaces leucine, which is neutral and non-polar, with phenylalanine, which is neutral and non-polar, at codon 688 of the PCNT protein (p.Leu688Phe). This variant is present in population databases (rs140836847, gnomAD 0.08%). This variant has not been reported in the literature in individuals affected with PCNT-related conditions. ClinVar contains an entry for this variant (Variation ID: 2205195). An algorithm developed to predict the effect of missense changes on protein structure and function (PolyPhen-2) suggests that this variant is likely to be disruptive. In summary, the available evidence is currently insufficient to determine the role of this variant in disease. Therefore, it has been classified as a Variant of Uncertain Significance.

ARUP Laboratories, Molecular Genetics and Genomics, ARUP Laboratories
Classification: Likely benign for Microcephalic osteodysplastic primordial dwarfism type II. Last evaluated: 2022-04-08. Review status: criteria provided, single submitter. Criteria: ARUP Molecular Germline Variant Investigation Process 2021. Collection method: clinical testing. Allele origin: germline.

Ambry Genetics
Classification: Uncertain significance for Inborn genetic diseases. Last evaluated: 2021-10-14. Review status: criteria provided, single submitter. Criteria: Ambry Variant Classification Scheme 2023. Collection method: clinical testing. Allele origin: germline.